The following is an entry in ClinVar:

NM_001184880.2(PCDH19):c.888C>T (p.Gly296=)

Gene: PCDH19 (protocadherin 19; minus strand). Cytogenetic location: Xq22.1.
Variant type: single nucleotide variant.
Coding change: c.888C>T on transcript NM_001184880.2 (MANE Select); coding-DNA position 888, C replaced by T.
Protein change: p.Gly296=; no amino-acid change (glycine 296 retained).
Molecular consequence: synonymous variant.
Genome position (GRCh38, 1-based): chrX:100,407,710, G>A on the plus strand (C>T on the coding strand, the complement: PCDH19 is on the minus strand). VCF-style: chrX-100407710-G-A. GRCh37 (hg19) VCF-style: chrX-99662708-G-A.
Other names: p.G296G:GGC>GGT; c.888C>T, p.Gly296= (NM_001105243.2, NM_020766.3).
Identifiers: ClinVar variation 138598 (VCV000138598.17), dbSNP rs368963363, ClinGen allele CA292698.

ClinVar aggregate classification (germline): Benign/Likely benign. Review status: criteria provided, multiple submitters, no conflicts (2 of 4 stars). 4 submissions from 4 submitters: Benign (2); Likely benign (2). Last evaluated 2025-12-10.

Conditions:
Inborn genetic diseases. Identifiers: MedGen C0950123, MeSH D030342.
Developmental and epileptic encephalopathy, 9 (DEE9). Also called: Early infantile epileptic encephalopathy 9; EPILEPSY, FEMALE-RESTRICTED, WITH MENTAL RETARDATION; JUBERG-HELLMAN SYNDROME; PCDH19-Related X-Linked Female-Limited Epilepsy with Mental Retardation. Identifiers: Orphanet 101039, Orphanet 2076, MedGen C1848137, MONDO:0010246, OMIM 300088. Disease mechanism: loss of function.

Allele frequency attached by ClinVar (database versions not stated): gnomAD 0.00005 and 0.00015; TOPMed 0.00005; ESP Exome Variant Server 0.00010; 1000 Genomes Project 30x 0.00021; gnomAD exomes 0.00022 and 0.00053; 1000 Genomes Project 0.00026; ExAC 0.00061.
gnomAD v4.1: 278 of 1,211,236 alleles (0.023%); highest among the groups gnomAD compares: South Asian, 0.34%; 1 homozygote.

Submissions (4):

Labcorp Genetics (formerly Invitae), Labcorp
Classification: Benign for Developmental and epileptic encephalopathy, 9. Last evaluated: 2025-12-10. Review status: criteria provided, single submitter. Criteria: Invitae Variant Classification Sherloc (09022015). Collection method: clinical testing. Allele origin: germline.

Blueprint Genetics
Classification: Likely benign. Last evaluated: 2024-11-13. Review status: criteria provided, single submitter. Criteria: ACMG Guidelines, 2015. Collection method: clinical testing. Allele origin: germline.

Ambry Genetics
Classification: Likely benign for Inborn genetic diseases. Last evaluated: 2017-04-14. Review status: criteria provided, single submitter. Criteria: Ambry Variant Classification Scheme 2023. Collection method: clinical testing. Allele origin: germline.

GeneDx
Classification: Benign. Last evaluated: 2014-04-17. Review status: criteria provided, single submitter. Criteria: GeneDx Variant Classification (06012015). Collection method: clinical testing. Allele origin: germline. Affected: yes.
Comment: This variant is considered likely benign or benign based on one or more of the following criteria: it is a conservative change, it occurs at a poorly conserved position in the protein, it is predicted to be benign by multiple in silico algorithms, and/or has population frequency not consistent with disease.